The following is an entry in ClinVar:

NM_006267.5(RANBP2):c.5570A>G (p.Gln1857Arg)

Gene: RANBP2 (RAN binding protein 2; plus strand). Cytogenetic location: 2q13.
Variant type: single nucleotide variant.
Coding change: c.5570A>G on transcript NM_006267.5 (MANE Select); coding-DNA position 5570, A replaced by G.
Protein change: p.Gln1857Arg; replaces glutamine 1857 with arginine.
Molecular consequence: missense variant.
Genome position (GRCh38, 1-based): chr2:108,766,109, A>G. VCF-style: chr2-108766109-A-G. GRCh37 (hg19) VCF-style: chr2-109382565-A-G.
Other names: short protein forms Q1857R.
Identifiers: ClinVar variation 1312803 (VCV001312803.3), dbSNP rs2149279328, ClinGen allele CA348073349.

ClinVar aggregate classification (germline): Uncertain significance. Review status: criteria provided, multiple submitters, no conflicts (2 of 4 stars). 2 submissions from 2 submitters: Uncertain significance (2). Last evaluated 2022-02-18.

Conditions:
Familial acute necrotizing encephalopathy (IIAE3). Also called: ENCEPHALOPATHY, ACUTE, INFECTION-INDUCED, SUSCEPTIBILITY TO, 3; Susceptibility to Acute Necrotizing Encephalopathy 1. Identifiers: Orphanet 88619, MedGen C2675556, MONDO:0011953, OMIM 608033.

gnomAD v4.1: 1 of 1,614,084 alleles (0.000062%); highest among the groups gnomAD compares: Non-Finnish European, 0.000085%; no homozygotes.

Submissions (2):

Fulgent Genetics
Classification: Uncertain significance for Familial acute necrotizing encephalopathy. Last evaluated: 2022-02-18. Review status: criteria provided, single submitter. Criteria: ACMG Guidelines, 2015. Collection method: clinical testing. Allele origin: unknown.

GeneDx
Classification: Uncertain significance. Last evaluated: 2020-06-25. Review status: criteria provided, single submitter. Criteria: GeneDx Variant Classification Process June 2021. Collection method: clinical testing. Allele origin: germline. Affected: yes.
Comment: Not observed in large population cohorts (Lek et al., 2016); In silico analysis supports that this missense variant does not alter protein structure/function; Has not been previously published as pathogenic or benign to our knowledge